The following is an entry in ClinVar:

ClinVar aggregate classification (germline): Conflicting classifications of pathogenicity. Review status: criteria provided, conflicting classifications (1 of 4 stars). 3 submissions from 3 submitters: Uncertain significance (1); Benign (1); Likely benign (1). Last evaluated 2025-05-13.

Conditions:
Hereditary cancer-predisposing syndrome. Also called: Neoplastic Syndromes, Hereditary; Hereditary neoplastic syndrome; Hereditary Cancer Syndrome; Tumor predisposition. Identifiers: Orphanet 140162, MedGen C0027672, MeSH D009386, MONDO:0015356.
Tuberous sclerosis 2 (TSC2). Identifiers: Orphanet 805, MedGen C1860707, MONDO:0013199, OMIM 613254.

gnomAD v4.1: 6 of 1,614,112 alleles (0.00037%); highest among the groups gnomAD compares: East Asian, 0.011%; no homozygotes.

Submissions (3):

Myriad Genetics, Inc.
Classification: Benign for Tuberous sclerosis 2. Last evaluated: 2025-05-13. Review status: criteria provided, single submitter. Criteria: Myriad Autosomal Dominant, Autosomal Recessive and X-Linked Classification Criteria (2023). Collection method: clinical testing. Allele origin: unknown.
Comment: This variant is considered benign. This variant is a silent/synonymous amino acid change and it is not expected to impact splicing.

Ambry Genetics
Classification: Uncertain significance for Hereditary cancer-predisposing syndrome. Last evaluated: 2025-01-14. Review status: criteria provided, single submitter. Criteria: Ambry Variant Classification Scheme 2023. Collection method: clinical testing. Allele origin: germline.
Comment: The c.999G>A variant (also known as p.V333V), located in coding exon 10 of the TSC2 gene, results from a G to A substitution at nucleotide position 999. This nucleotide substitution does not change the amino acid at codon 333. This nucleotide position is not well conserved in available vertebrate species. In silico splice site analysis for this alteration is inconclusive. Based on the available evidence, the clinical significance of this variant remains unclear.

Labcorp Genetics (formerly Invitae), Labcorp
Classification: Likely benign for Tuberous sclerosis 2. Last evaluated: 2024-04-05. Review status: criteria provided, single submitter. Criteria: Invitae Variant Classification Sherloc (09022015). Collection method: clinical testing. Allele origin: germline.

NM_000548.5(TSC2):c.999G>A (p.Val333=)

Gene: TSC2 (TSC complex subunit 2; plus strand). Cytogenetic location: 16p13.3.
Variant type: single nucleotide variant.
Coding change: c.999G>A on transcript NM_000548.5 (MANE Select); coding-DNA position 999, G replaced by A.
Protein change: p.Val333=; no amino-acid change (valine 333 retained).
Molecular consequence: synonymous variant.
Genome position (GRCh38, 1-based): chr16:2,060,693, G>A. VCF-style: chr16-2060693-G-A. GRCh37 (hg19) VCF-style: chr16-2110694-G-A.
Other names: c.999G>A (NM_000548.3); c.999G>A, p.Val333= (NM_001077183.3, NM_001114382.3, NM_001363528.2 and 3 more transcripts); c.888G>A, p.Val296= (NM_001318827.2); c.852G>A, p.Val284= (NM_001318829.2); c.399G>A, p.Val133= (NM_001318831.2); c.1032G>A, p.Val344= (NM_001318832.2).
Identifiers: ClinVar variation 1085218 (VCV001085218.11), dbSNP rs746177025, ClinGen allele CA492960612.